The following is an entry in ClinVar:

NM_019842.4(KCNQ5):c.106A>C (p.Met36Leu)

Genes: KCNQ5 (potassium voltage-gated channel subfamily Q member 5; plus strand), KCNQ5-DT (KCNQ5 divergent transcript; minus strand), LOC129996711 (ATAC-STARR-seq lymphoblastoid silent region 17329; plus strand). Cytogenetic location: 6q13.
Variant type: single nucleotide variant.
Coding change: c.106A>C on transcript NM_019842.4 (MANE Select); coding-DNA position 106, A replaced by C.
Protein change: p.Met36Leu; replaces methionine 36 with leucine.
Molecular consequence: missense variant.
Genome position (GRCh38, 1-based): chr6:72,622,295, A>C. VCF-style: chr6-72622295-A-C. GRCh37 (hg19) VCF-style: chr6-73332023-A-C.
Other names: c.106A>C, p.Met36Leu (NM_001160130.2, NM_001160132.2, NM_001160133.2 and 1 more transcripts); short protein forms M36L.
Identifiers: ClinVar variation 2575970 (VCV002575970.1), dbSNP rs1380993080, ClinGen allele CA364824160.

ClinVar aggregate classification (germline): Uncertain significance (1 of 4 stars; one submission).

Submission:

Institute for Clinical Genetics, University Hospital TU Dresden, University Hospital TU Dresden
Classification: Uncertain significance. Last evaluated: 2022-07-25. Review status: criteria provided, single submitter. Criteria: ACMG Guidelines, 2015. Collection method: clinical testing. Allele origin: germline.
Comment: PP3, PM2_SUP, PP2